The following is an entry in ClinVar:

ClinVar aggregate classification (germline): Uncertain significance (1 of 4 stars; one submission).

Conditions:
Inborn genetic diseases. Identifiers: MedGen C0950123, MeSH D030342.

gnomAD v4.1: 3 of 1,612,808 alleles (0.00019%); highest among the groups gnomAD compares: Non-Finnish European, 0.00025%; no homozygotes.

Submission:

Ambry Genetics
Classification: Uncertain significance for Inborn genetic diseases. Last evaluated: 2024-12-14. Review status: criteria provided, single submitter. Criteria: Ambry Variant Classification Scheme 2023. Collection method: clinical testing. Allele origin: germline.
Comment: The p.P1132A variant (also known as c.3394C>G), located in coding exon 15 of the MECOM gene, results from a C to G substitution at nucleotide position 3394. The proline at codon 1132 is replaced by alanine, an amino acid with highly similar properties. This amino acid position is conserved. In addition, this alteration is predicted to be tolerated by in silico analysis. Based on the available evidence, the clinical significance of this variant remains unclear.

NM_004991.4(MECOM):c.3394C>G (p.Pro1132Ala)

Gene: MECOM (MDS1 and EVI1 complex locus; minus strand). Cytogenetic location: 3q26.2.
Variant type: single nucleotide variant.
Coding change: c.3394C>G on transcript NM_004991.4 (MANE Select); coding-DNA position 3394, C replaced by G.
Protein change: p.Pro1132Ala; replaces proline 1132 with alanine.
Molecular consequence: missense variant.
Genome position (GRCh38, 1-based): chr3:169,090,007, G>C on the plus strand (C>G on the coding strand, the complement: MECOM is on the minus strand). VCF-style: chr3-169090007-G-C. GRCh37 (hg19) VCF-style: chr3-168807795-G-C.
Other names: c.3025C>G, p.Pro1009Ala (NM_001105077.4); c.2830C>G, p.Pro944Ala (NM_001105078.4, NM_001205194.2, NM_001366469.2 and 1 more transcripts); c.2806C>G, p.Pro936Ala (NM_001163999.2, NM_001366470.2); c.2803C>G, p.Pro935Ala (NM_001164000.2, NM_001366471.2, NM_001366472.2); c.3367C>G, p.Pro1123Ala (NM_001366466.2); c.2833C>G, p.Pro945Ala (NM_001366467.2, NM_001366468.2); c.2395C>G, p.Pro799Ala (NM_001366473.2); c.1831C>G, p.Pro611Ala (NM_001366474.2); short protein forms P611A, P799A, P935A, P1009A, P1123A, P945A, P1132A, P936A.
Identifiers: ClinVar variation 3871596 (VCV003871596.1).